The following is an entry in ClinVar:

ClinVar aggregate classification (germline): Uncertain significance (1 of 4 stars; one submission).

Conditions:
Pseudohypoparathyroidism type 1C (PHP1C). Also called: Pseudohypoparathyroidism Ic (PHP-Ic); PHP IC; PSEUDOHYPOPARATHYROIDISM, TYPE IC. Identifiers: Orphanet 79444, MedGen C2932716, MONDO:0012911, OMIM 612462.

gnomAD v4.1: 5 of 1,613,966 alleles (0.00031%); highest among the groups gnomAD compares: Non-Finnish European, 0.00042%; no homozygotes.

Submission:

Pittsburgh Clinical Genomics Laboratory, University of Pittsburgh Medical Center
Classification: Uncertain significance for Pseudohypoparathyroidism type 1C. Last evaluated: 2024-03-11. Review status: criteria provided, single submitter. Criteria: ACMG Guidelines, 2015. Collection method: clinical testing. Allele origin: germline. Inheritance: Autosomal dominant inheritance. Affected: yes.
Comment: This sequence variant is a single nucleotide substitution (G>C) at position 226 of the coding sequence of the GNAS gene that results in an aspartic acid to histidine amino acid change at residue 76 of the Gs alpha subunit protein. This variant is absent from ClinVar and has not been reported in the literature in individuals with GNAS-related disease, to our knowledge. This variant is present in 5/1461686 alleles (0.0003421%) in the gnomAD v4.0.0 population database. Multiple bioinformatic tools predict that this amino acid change would be damaging, and the Asp76 residue at this position is highly conserved across the vertebrate species examined. Studies examining the functional consequence of this variant have not been performed, to our knowledge. At this time, there is insufficient evidence to determine if this variant is pathogenic or benign. Therefore, we consider this a variant of uncertain significance. ACMG Criteria: PM2, PP3

NM_000516.7(GNAS):c.226G>C (p.Asp76His)

Gene: GNAS (GNAS complex locus; plus strand). Cytogenetic location: 20q13.32.
Variant type: single nucleotide variant.
Coding change: c.226G>C on transcript NM_000516.7 (MANE Select); coding-DNA position 226, G replaced by C.
Protein change: p.Asp76His; replaces aspartic acid 76 with histidine.
Molecular consequence: missense variant. On other transcripts: 3 prime UTR variant (3), non-coding transcript variant (2), intron variant (3).
Genome position (GRCh38, 1-based): chr20:58,898,954, G>C. VCF-style: chr20-58898954-G-C. GRCh37 (hg19) VCF-style: chr20-57474009-G-C.
Other names: c.226G>C, p.Asp76His (NM_001077488.5, NM_001309842.2); c.*87G>C (NM_001077490.3); c.49G>C, p.Asp17His (NM_001309840.2, NM_001309861.2); c.*245G>C (NM_001309883.1); c.130G>C, p.Asp44His (NM_001410912.1); c.*129G>C (NM_016592.5); c.2155G>C, p.Asp719His (NM_080425.4); c.2141+3270G>C (NM_001410913.1); and 1 more; short protein forms D17H, D44H, D719H, D76H.
Identifiers: ClinVar variation 3376482 (VCV003376482.1).
Genomic context (GRCh38, chr20:58,898,954, plus strand): 5'-CTGCGGTGCCTTGCAGATTAGGTGAGCTTTCAATCTCTCTTTAAAAGGGGCGGCGAAGAG[G>C]ACCCGCAGGCTGCAAGGAGCAACAGCGATGGGTAGGCACATTCAAAACCAGAAAAAATTG-3'
Protein context (NP_000507.1, residues 66-86): NGFNGEGGEE[Asp76His]PQAARSNSDG